The following is an entry in ClinVar:

NM_001258392.3(CLPB):c.1375G>A (p.Ala459Thr)

Gene: CLPB (ClpB family mitochondrial disaggregase; minus strand). Cytogenetic location: 11q13.4.
Variant type: single nucleotide variant.
Coding change: c.1375G>A on transcript NM_001258392.3 (MANE Select); coding-DNA position 1375, G replaced by A.
Protein change: p.Ala459Thr; replaces alanine 459 with threonine.
Molecular consequence: missense variant.
Genome position (GRCh38, 1-based): chr11:72,295,603, C>T on the plus strand (G>A on the coding strand, the complement: CLPB is on the minus strand). VCF-style: chr11-72295603-C-T. GRCh37 (hg19) VCF-style: chr11-72006647-C-T.
Other names: c.1288G>A, p.Ala430Thr (NM_001258393.3); c.1330G>A, p.Ala444Thr (NM_001258394.3); c.1465G>A, p.Ala489Thr (NM_030813.6); short protein forms A489T, A430T, A444T, A459T.
Identifiers: ClinVar variation 650560 (VCV000650560.12), dbSNP rs372344202, ClinGen allele CA6171183.
Genomic context (GRCh38, chr11:72,295,603, plus strand): 5'-GCTGCAGCGCGTGCTGTGCGATCTCGTCGCTGGCCACATTGGAGGTCATGATGAAGATGG[C>T]GTCCTTGCAATCAATGGTCTTCCCTTTTCCATCTGTCAGCCGGCCCTGGGAAGGGAAGGA-3'
Protein context (NP_001245321.1, residues 449-469): GKGKTIDCKD[Ala459Thr]IFIMTSNVAS

ClinVar aggregate classification (germline): Uncertain significance. Review status: criteria provided, multiple submitters, no conflicts (2 of 4 stars). 2 submissions from 2 submitters: Uncertain significance (2). Last evaluated 2025-08-17.

Conditions:
3-methylglutaconic aciduria, type VIIB (MGCA7B). Also called: CLPB Deficiency; 3-methylglutaconic aciduria, type VII, with cataracts, neurologic involvement and neutropenia; 3-methylglutaconic aciduria with cataracts, neurologic involvement and neutropenia. Identifiers: Orphanet 445038, MedGen C5676893, MONDO:0014561, OMIM 616271.

Allele frequency attached by ClinVar (database versions not stated): gnomAD exomes below 0.00001; ExAC 0.00001; gnomAD 0.00001; TOPMed 0.00001; ESP Exome Variant Server 0.00008.
gnomAD v4.1: 23 of 1,613,952 alleles (0.0014%); highest among the groups gnomAD compares: South Asian, 0.0022%; no homozygotes.

Submissions (2):

Labcorp Genetics (formerly Invitae), Labcorp
Classification: Uncertain significance for 3-methylglutaconic aciduria, type VIIB. Last evaluated: 2025-08-17. Review status: criteria provided, single submitter. Criteria: Invitae Variant Classification Sherloc (09022015). Collection method: clinical testing. Allele origin: germline.
Comment: This sequence change replaces alanine, which is neutral and non-polar, with threonine, which is neutral and polar, at codon 489 of the CLPB protein (p.Ala489Thr). The frequency data for this variant in the population databases is considered unreliable, as metrics indicate poor data quality at this position in the gnomAD database. This variant has not been reported in the literature in individuals affected with CLPB-related conditions. ClinVar contains an entry for this variant (Variation ID: 650560). An algorithm developed to predict the effect of missense changes on protein structure and function (PolyPhen-2) suggests that this variant is likely to be disruptive. In summary, the available evidence is currently insufficient to determine the role of this variant in disease. Therefore, it has been classified as a Variant of Uncertain Significance.

GeneDx
Classification: Uncertain significance. Last evaluated: 2019-03-28. Review status: criteria provided, single submitter. Criteria: GeneDx Variant Classification Process June 2021. Collection method: clinical testing. Allele origin: germline. Affected: yes.
Comment: Has not been previously published as pathogenic or benign to our knowledge; Not observed at a significant frequency in large population cohorts (Lek et al., 2016); In silico analysis, which includes protein predictors and evolutionary conservation, supports a deleterious effect